The following is an entry in ClinVar:

NM_004341.5(CAD):c.2038A>G (p.Ile680Val)

Gene: CAD (carbamoyl-phosphate synthetase 2, aspartate transcarbamylase, and dihydroorotase; plus strand). Cytogenetic location: 2p23.3.
Variant type: single nucleotide variant.
Coding change: c.2038A>G on transcript NM_004341.5 (MANE Select); coding-DNA position 2038, A replaced by G.
Protein change: p.Ile680Val; replaces isoleucine 680 with valine.
Molecular consequence: missense variant.
Genome position (GRCh38, 1-based): chr2:27,226,531, A>G. VCF-style: chr2-27226531-A-G. GRCh37 (hg19) VCF-style: chr2-27449399-A-G.
Other names: c.2038A>G (NM_004341.3); c.1849A>G, p.Ile617Val (NM_001306079.2); short protein forms I680V, I617V.
Identifiers: ClinVar variation 1444893 (VCV001444893.7), dbSNP rs1270960913, ClinGen allele CA346207510.
Genomic context (GRCh38, chr2:27,226,531, plus strand): 5'-ACCTCTCCTAGACAGGGTCTTCTAGGCCAGTGACTTTATTCTCCTTCTTTGCAGTATTAC[A>G]TCATTGAAGTGAATGCCAGGCTCTCTCGCAGCTCTGCCCTGGCCAGTAAGGCCACAGGTT-3'
Protein context (NP_004332.2, residues 670-690): ALNPESEQYY[Ile680Val]IEVNARLSRS

ClinVar aggregate classification (germline): Uncertain significance. Review status: criteria provided, multiple submitters, no conflicts (2 of 4 stars). 3 submissions from 3 submitters: Uncertain significance (3). Last evaluated 2024-08-14.

Conditions:
Inborn genetic diseases. Identifiers: MedGen C0950123, MeSH D030342.

Allele frequency attached by ClinVar (database versions not stated): gnomAD exomes below 0.00001 and 0.00001; gnomAD 0.00001.
gnomAD v4.1: 17 of 1,613,990 alleles (0.0011%); highest among the groups gnomAD compares: South Asian, 0.0055%; no homozygotes.

Submissions (3):

Ambry Genetics
Classification: Uncertain significance for Inborn genetic diseases. Last evaluated: 2024-08-14. Review status: criteria provided, single submitter. Criteria: Ambry Variant Classification Scheme 2023. Collection method: clinical testing. Allele origin: germline.

Blueprint Genetics
Classification: Uncertain significance. Last evaluated: 2022-05-27. Review status: criteria provided, single submitter. Criteria: ACMG Guidelines, 2015. Collection method: clinical testing. Allele origin: germline.

Labcorp Genetics (formerly Invitae), Labcorp
Classification: Uncertain significance. Last evaluated: 2021-08-27. Review status: criteria provided, single submitter. Criteria: Invitae Variant Classification Sherloc (09022015). Collection method: clinical testing. Allele origin: germline.
Comment: This sequence change replaces isoleucine with valine at codon 680 of the CAD protein (p.Ile680Val). The isoleucine residue is highly conserved and there is a small physicochemical difference between isoleucine and valine. This variant is not present in population databases (ExAC no frequency). This variant has not been reported in the literature in individuals affected with CAD-related conditions. Algorithms developed to predict the effect of missense changes on protein structure and function are either unavailable or do not agree on the potential impact of this missense change (SIFT: "Deleterious"; PolyPhen-2: "Possibly Damaging"; Align-GVGD: "Class C0"). In summary, the available evidence is currently insufficient to determine the role of this variant in disease. Therefore, it has been classified as a Variant of Uncertain Significance.